The following is an entry in ClinVar:

NM_000260.4(MYO7A):c.5018T>A (p.Val1673Asp)

Gene: MYO7A (myosin VIIA; plus strand). Cytogenetic location: 11q13.5.
Variant type: single nucleotide variant.
Coding change: c.5018T>A on transcript NM_000260.4 (MANE Select); coding-DNA position 5018, T replaced by A.
Protein change: p.Val1673Asp; replaces valine 1673 with aspartic acid.
Molecular consequence: missense variant.
Genome position (GRCh38, 1-based): chr11:77,201,613, T>A. VCF-style: chr11-77201613-T-A. GRCh37 (hg19) VCF-style: chr11-76912658-T-A.
Other names: c.4904T>A, p.Val1635Asp (NM_001127180.2); c.4871T>A, p.Val1624Asp (NM_001369365.1); short protein forms V1624D, V1635D, V1673D.
Identifiers: ClinVar variation 883973 (VCV000883973.10), dbSNP rs1957069970, ClinGen allele CA381951450.
Genomic context (GRCh38, chr11:77,201,613, plus strand): 5'-ATGAGAGGACCAAGCAGCGTGGGGACTTCCCCACCGACAGTGTGTACGTCATGCCCACTG[T>A]CACCATGCCACCGCGGGAGATTGTGGTATGTGGCCTGGGGGTGGCAGATGGGTGGGAGGT-3'
Protein context (NP_000251.3, residues 1663-1683): PTDSVYVMPT[Val1673Asp]TMPPREIVAL

ClinVar aggregate classification (germline): Uncertain significance. Review status: criteria provided, multiple submitters, no conflicts (2 of 4 stars). 5 submissions from 3 submitters: Uncertain significance (4). 1 of the submissions does not count toward it. Last evaluated 2021-09-01.

Conditions:
Autosomal dominant nonsyndromic hearing loss 11. Identifiers: Orphanet 90635, MedGen C1832475, MONDO:0011032, OMIM 601317.
Usher syndrome type 1 (USH1). Also called: RETINITIS PIGMENTOSA AND CONGENITAL DEAFNESS. Identifiers: Orphanet 231169, Orphanet 886, MedGen C1568247, MONDO:0010168, OMIM 276900.
Usher syndrome type 1B (USH1B). Also called: Usher syndrome type IB. Identifiers: MedGen C1848638, MONDO:0700087.
Autosomal recessive nonsyndromic hearing loss 2. Also called: DEAFNESS, AUTOSOMAL RECESSIVE 2; NEUROSENSORY NONSYNDROMIC RECESSIVE DEAFNESS 2. Identifiers: Orphanet 90636, MedGen C1838701, MONDO:0010807, OMIM 600060.

Allele frequency attached by ClinVar (database versions not stated): TOPMed below 0.00001; gnomAD exomes 0.00002.
gnomAD v4.1: 24 of 1,613,650 alleles (0.0015%); highest among the groups gnomAD compares: Non-Finnish European, 0.002%; no homozygotes.

Submissions (5):

Labcorp Genetics (formerly Invitae), Labcorp
Classification: Uncertain significance. Last evaluated: 2021-09-01. Review status: criteria provided, single submitter. Criteria: Invitae Variant Classification Sherloc (09022015). Collection method: clinical testing. Allele origin: germline.
Comment: This sequence change replaces valine with aspartic acid at codon 1673 of the MYO7A protein (p.Val1673Asp). The valine residue is moderately conserved and there is a large physicochemical difference between valine and aspartic acid. This variant is not present in population databases (ExAC no frequency). This variant has not been reported in the literature in individuals affected with MYO7A-related conditions. Algorithms developed to predict the effect of missense changes on protein structure and function are either unavailable or do not agree on the potential impact of this missense change (SIFT: "Deleterious"; PolyPhen-2: "Possibly Damaging"; Align-GVGD: "Class C15"). In summary, the available evidence is currently insufficient to determine the role of this variant in disease. Therefore, it has been classified as a Variant of Uncertain Significance.

Illumina Laboratory Services, Illumina
Classification: Uncertain significance for Autosomal dominant nonsyndromic hearing loss 11. Last evaluated: 2018-01-13. Review status: criteria provided, single submitter. Criteria: ICSL Variant Classification Criteria 13 December 2019. Collection method: clinical testing. Allele origin: germline.

Illumina Laboratory Services, Illumina
Classification: Uncertain significance for Usher syndrome type 1. Last evaluated: 2018-01-13. Review status: criteria provided, single submitter. Criteria: ICSL Variant Classification Criteria 13 December 2019. Collection method: clinical testing. Allele origin: germline.

Illumina Laboratory Services, Illumina
Classification: Uncertain significance for Autosomal recessive nonsyndromic hearing loss 2. Last evaluated: 2018-01-13. Review status: criteria provided, single submitter. Criteria: ICSL Variant Classification Criteria 13 December 2019. Collection method: clinical testing. Allele origin: germline.

Natera, Inc.
Classification: Uncertain significance for Usher syndrome type 1B. Last evaluated: 2021-08-13. Review status: no assertion criteria provided. Collection method: clinical testing. Allele origin: germline. Not counted in ClinVar's aggregate classification.